The following is an entry in ClinVar:

ClinVar aggregate classification (germline): Pathogenic (1 of 4 stars; one submission).

Submission:

Labcorp Genetics (formerly Invitae), Labcorp
Classification: Pathogenic. Last evaluated: 2020-11-20. Review status: criteria provided, single submitter. Criteria: Invitae Variant Classification Sherloc (09022015). Collection method: clinical testing. Allele origin: germline.
Comment: For these reasons, this variant has been classified as Pathogenic. This variant disrupts the C-terminus of the ALPL protein. Other variant(s) that disrupt this region (p.Ala492Profs*29) have been determined to be pathogenic (PMID: 15694177, 28127875, 28763161). This suggests that variants that disrupt this region of the protein are likely to be causative of disease. This variant has not been reported in the literature in individuals with ALPL-related conditions. This variant is a gross deletion of the genomic region encompassing exon(s) 3-12 of the ALPL gene. The 5' boundary is likely confined to intron 2. The 3' end of this event is unknown as it extends through the termination codon beyond the assayed region for this gene and may encompass additional genes. While this deletion is not anticipated to lead to nonsense mediated decay, it is expected to alter mRNA translation or result in a truncated protein product.

Literature cited by the submitters: PubMed 15694177; PubMed 28127875; PubMed 28763161.

NC_000001.10:g.(?_21887099)_(21904141_?)del

Gene: ALPL (alkaline phosphatase, biomineralization associated; plus strand). Cytogenetic location: 1p36.12.
Variant type: Deletion.
Identifiers: ClinVar variation 1451581 (VCV001451581.6).